The following is an entry in ClinVar:

ClinVar aggregate classification (germline): Uncertain significance (1 of 4 stars; one submission).

Allele frequency attached by ClinVar (database versions not stated): gnomAD exomes below 0.00001; TOPMed below 0.00001; gnomAD 0.00001.

Submission:

Ambry Genetics
Classification: Uncertain significance. Last evaluated: 2023-04-22. Review status: criteria provided, single submitter. Criteria: Ambry Variant Classification Scheme 2023. Collection method: clinical testing. Allele origin: germline.
Comment: The p.A730V variant (also known as c.2189C>T), located in coding exon 13 of the NPAT gene, results from a C to T substitution at nucleotide position 2189. The alanine at codon 730 is replaced by valine, an amino acid with similar properties. This amino acid position is conserved. In addition, this alteration is predicted to be tolerated by in silico analysis. Since supporting evidence is limited at this time, the clinical significance of this alteration remains unclear.

NM_002519.3(NPAT):c.2189C>T (p.Ala730Val)

Gene: NPAT (nuclear protein, coactivator of histone transcription; minus strand). Cytogenetic location: 11q22.3.
Variant type: single nucleotide variant.
Coding change: c.2189C>T on transcript NM_002519.3 (MANE Select); coding-DNA position 2189, C replaced by T.
Protein change: p.Ala730Val; replaces alanine 730 with valine.
Molecular consequence: missense variant.
Genome position (GRCh38, 1-based): chr11:108,172,795, G>A on the plus strand (C>T on the coding strand, the complement: NPAT is on the minus strand). VCF-style: chr11-108172795-G-A. GRCh37 (hg19) VCF-style: chr11-108043522-G-A.
Other names: c.2189C>T, p.Ala730Val (NM_001321307.1); short protein forms A730V.
Identifiers: ClinVar variation 2567980 (VCV002567980.2), dbSNP rs1427655096, ClinGen allele CA382513495.